The following is an entry in ClinVar:

ClinVar aggregate classification (germline): Uncertain significance (1 of 4 stars; one submission).

Conditions:
Oligodontia-cancer predisposition syndrome. Also called: TOOTH AGENESIS-COLORECTAL CANCER SYNDROME. Identifiers: Orphanet 300576, MedGen C1837750, MONDO:0012075, OMIM 608615. Disease mechanism: loss of function.

Submission:

Labcorp Genetics (formerly Invitae), Labcorp
Classification: Uncertain significance for Oligodontia-cancer predisposition syndrome. Last evaluated: 2018-05-15. Review status: criteria provided, single submitter. Criteria: Invitae Variant Classification Sherloc (09022015). Collection method: clinical testing. Allele origin: germline.
Comment: This sequence change replaces serine with arginine at codon 567 of the AXIN2 protein (p.Ser567Arg). The serine residue is weakly conserved and there is a moderate physicochemical difference between serine and arginine. This variant is not present in population databases (ExAC no frequency). This variant has not been reported in the literature in individuals with AXIN2-related disease. Algorithms developed to predict the effect of missense changes on protein structure and function (SIFT, PolyPhen-2, Align-GVGD) all suggest that this variant is likely to be tolerated, but these predictions have not been confirmed by published functional studies and their clinical significance is uncertain. In summary, the available evidence is currently insufficient to determine the role of this variant in disease. Therefore, it has been classified as a Variant of Uncertain Significance.

NM_004655.4(AXIN2):c.1701C>G (p.Ser567Arg)

Gene: AXIN2 (axin 2; minus strand). Cytogenetic location: 17q24.1.
Variant type: single nucleotide variant.
Coding change: c.1701C>G on transcript NM_004655.4 (MANE Select); coding-DNA position 1701, C replaced by G.
Protein change: p.Ser567Arg; replaces serine 567 with arginine.
Molecular consequence: missense variant.
Genome position (GRCh38, 1-based): chr17:65,537,335, G>C on the plus strand (C>G on the coding strand, the complement: AXIN2 is on the minus strand). VCF-style: chr17-65537335-G-C. GRCh37 (hg19) VCF-style: chr17-63533453-G-C.
Other names: c.1701C>G, p.Ser567Arg (NM_001363813.1); short protein forms S567R.
Identifiers: ClinVar variation 1063172 (VCV001063172.9), dbSNP rs1226661498, ClinGen allele CA400676805.